The following is an entry in ClinVar:

ClinVar aggregate classification (germline): Uncertain significance (1 of 4 stars; one submission).

Conditions:
Familial thoracic aortic aneurysm and aortic dissection (TAAD). Also called: Thoracic aortic aneurysms and dissections. Identifiers: Orphanet 91387, MedGen C4707243, MONDO:0019625.

Submission:

Ambry Genetics
Classification: Uncertain significance for Familial thoracic aortic aneurysm and aortic dissection. Last evaluated: 2026-06-18. Review status: criteria provided, single submitter. Criteria: Ambry Variant Classification Scheme 2023. Collection method: clinical testing. Allele origin: germline.
Comment: The p.S346P variant (also known as c.1036T>C), located in coding exon 15 of the COL3A1 gene, results from a T to C substitution at nucleotide position 1036. The serine at codon 346 is replaced by proline, an amino acid with similar properties. This amino acid position is conserved. In addition, the in silico prediction for this alteration is inconclusive. Based on the available evidence, the clinical significance of this variant remains unclear.

NM_000090.4(COL3A1):c.1036T>C (p.Ser346Pro)

Gene: COL3A1 (collagen type III alpha 1 chain; plus strand). Cytogenetic location: 2q32.2.
Variant type: single nucleotide variant.
Coding change: c.1036T>C on transcript NM_000090.4 (MANE Select); coding-DNA position 1036, T replaced by C.
Protein change: p.Ser346Pro; replaces serine 346 with proline.
Molecular consequence: missense variant.
Genome position (GRCh38, 1-based): chr2:188,992,926, T>C. VCF-style: chr2-188992926-T-C. GRCh37 (hg19) VCF-style: chr2-189857652-T-C.
Other names: short protein forms S346P.
Identifiers: ClinVar variation 5034749 (VCV005034749.1).